The following is an entry in ClinVar:

ClinVar aggregate classification (germline): Uncertain significance. Review status: criteria provided, single submitter (1 of 4 stars). 3 submissions from 3 submitters: Uncertain significance (1). 2 of the submissions do not count toward it. Last evaluated 2025-10-06.

Conditions:
Cystic fibrosis (CF). Also called: MUCOVISCIDOSIS. Identifiers: Orphanet 586, MedGen C0010674, MONDO:0009061, OMIM 219700. Disease mechanism: loss of function.

Allele frequency attached by ClinVar (database versions not stated): 1000 Genomes Project 30x 0.00016; 1000 Genomes Project 0.00020.
gnomAD v4.1: 3 of 1,613,638 alleles (0.00019%); highest among the groups gnomAD compares: South Asian, 0.0022%; no homozygotes.

Submissions (3):

Women's Health and Genetics/Laboratory Corporation of America, LabCorp
Classification: Uncertain significance. Last evaluated: 2025-10-06. Review status: criteria provided, single submitter. Criteria: LabCorp Variant Classification Summary - May 2015. Collection method: clinical testing. Allele origin: germline.
Comment: Variant summary: CFTR c.3764C>T (p.Ser1255Leu) results in a non-conservative amino acid change located in the ABC transporter-like, ATP-binding domain of the encoded protein sequence. Algorithms developed to predict the effect of missense changes on protein structure and function are either unavailable or do not agree on the potential impact of this missense change. The variant allele was found at a frequency of 4e-06 in 251034 control chromosomes. The available data on variant occurrences in the general population are insufficient to allow any conclusion about variant significance. c.3764C>T has been reported in the literature without strong evidence of causality (Cartault_1998, Vernon_2017). These report(s) do not provide unequivocal conclusions about association of the variant with Cystic Fibrosis. A different variant affecting the same codon has been classified as likely pathogenic/pathogenic by our lab (c.3763T>C, p.Ser1255Pro), supporting the critical relevance of codon 1255 to CFTR protein function. At least one publication reports experimental evidence evaluating an impact on protein function, however, does not allow convincing conclusions about the variant effect (Vernon_2017). The following publications have been ascertained in the context of this evaluation (PMID: 9842999, 28655774). ClinVar contains an entry for this variant (Variation ID: 53806). Based on the evidence outlined above, the variant was classified as uncertain significance.

Counsyl
Classification: Uncertain significance for Cystic fibrosis. Last evaluated: 2017-12-07. Review status: no assertion criteria provided. Collection method: clinical testing. Allele origin: unknown. Not counted in ClinVar's aggregate classification.

ClinVar Staff, National Center for Biotechnology Information (NCBI)
No classification provided. Condition: CFTR-related disorders. Review status: no classification provided. Collection method: literature only. Allele origin: germline. Affected: yes. Not counted in ClinVar's aggregate classification.

Literature cited by the submitters: PubMed 9842999 (cited by 3 submitters); PubMed 28655774 (cited by Women's Health and Genetics/Laboratory Corporation of America, LabCorp and Counsyl).

NM_000492.4(CFTR):c.3764C>T (p.Ser1255Leu)

Genes: CFTR-AS2 (CFTR antisense RNA 2; minus strand), CFTR (CF transmembrane conductance regulator; plus strand). Cytogenetic location: 7q31.2.
Variant type: single nucleotide variant.
Coding change: c.3764C>T on transcript NM_000492.4 (MANE Select); coding-DNA position 3764, C replaced by T.
Protein change: p.Ser1255Leu; replaces serine 1255 with leucine.
Molecular consequence: missense variant.
Genome position (GRCh38, 1-based): chr7:117,642,484, C>T. VCF-style: chr7-117642484-C-T. GRCh37 (hg19) VCF-style: chr7-117282538-C-T.
Other names: short protein forms S1255L.
Identifiers: ClinVar variation 53806 (VCV000053806.4), dbSNP rs76649725, ClinGen allele CA327282.